The following is an entry in ClinVar:

ClinVar aggregate classification (germline): Conflicting classifications of pathogenicity. Review status: criteria provided, conflicting classifications (1 of 4 stars). 2 submissions from 2 submitters: Uncertain significance (1); Likely benign (1). Last evaluated 2023-12-29.

Conditions:
Developmental and epileptic encephalopathy, 53. Also called: Epileptic encephalopathy, early infantile, 53. Identifiers: MedGen C4479313, MONDO:0033362, OMIM 617389.
Early-onset Parkinson disease 20. Also called: PARKINSON DISEASE 20, AUTOSOMAL RECESSIVE EARLY-ONSET. Identifiers: Orphanet 391411, MedGen C3809824, MONDO:0014233, OMIM 615530.
Inborn genetic diseases. Identifiers: MedGen C0950123, MeSH D030342.

Allele frequency attached by ClinVar (database versions not stated): gnomAD exomes below 0.00001 and 0.00001; TOPMed 0.00002; gnomAD 0.00003.

Submissions (2):

Ambry Genetics
Classification: Likely benign for Inborn genetic diseases. Last evaluated: 2023-12-29. Review status: criteria provided, single submitter. Criteria: Ambry Variant Classification Scheme 2023. Collection method: clinical testing. Allele origin: germline.

Labcorp Genetics (formerly Invitae), Labcorp
Classification: Uncertain significance for Developmental and epileptic encephalopathy, 53; Early-onset Parkinson disease 20. Last evaluated: 2022-11-15. Review status: criteria provided, single submitter. Criteria: Invitae Variant Classification Sherloc (09022015). Collection method: clinical testing. Allele origin: germline.
Comment: In summary, the available evidence is currently insufficient to determine the role of this variant in disease. Therefore, it has been classified as a Variant of Uncertain Significance. Advanced modeling of protein sequence and biophysical properties (such as structural, functional, and spatial information, amino acid conservation, physicochemical variation, residue mobility, and thermodynamic stability) performed at Invitae indicates that this missense variant is not expected to disrupt SYNJ1 protein function. ClinVar contains an entry for this variant (Variation ID: 1042251). This variant has not been reported in the literature in individuals affected with SYNJ1-related conditions. This variant is present in population databases (no rsID available, gnomAD 0.003%). This sequence change replaces asparagine, which is neutral and polar, with serine, which is neutral and polar, at codon 662 of the SYNJ1 protein (p.Asn662Ser).

NM_203446.3(SYNJ1):c.1868A>G (p.Asn623Ser)

Gene: SYNJ1 (synaptojanin 1; minus strand). Cytogenetic location: 21q22.11.
Variant type: single nucleotide variant.
Coding change: c.1868A>G on transcript NM_203446.3 (MANE Select); coding-DNA position 1868, A replaced by G.
Protein change: p.Asn623Ser; replaces asparagine 623 with serine.
Molecular consequence: missense variant.
Genome position (GRCh38, 1-based): chr21:32,666,517, T>C on the plus strand (A>G on the coding strand, the complement: SYNJ1 is on the minus strand). VCF-style: chr21-32666517-T-C. GRCh37 (hg19) VCF-style: chr21-34038827-T-C.
Other names: c.1868A>G, p.Asn623Ser (NM_001160302.2); c.1853A>G, p.Asn618Ser (NM_001160306.2); c.1985A>G, p.Asn662Ser (NM_003895.4); short protein forms N623S, N662S, N618S.
Identifiers: ClinVar variation 1042251 (VCV001042251.10), dbSNP rs1298315820, ClinGen allele CA410080802.